The following is an entry in ClinVar:

NM_016495.6(TBC1D7):c.132T>C (p.Thr44=)

Genes: TBC1D7 (TBC1 domain family member 7; minus strand), TBC1D7-LOC100130357 (TBC1D7-LOC100130357 readthrough; minus strand). Cytogenetic location: 6p24.1.
Variant type: single nucleotide variant.
Coding change: c.132T>C on transcript NM_016495.6 (MANE Select); coding-DNA position 132, T replaced by C.
Protein change: p.Thr44=; no amino-acid change (threonine 44 retained).
Molecular consequence: synonymous variant. On other transcripts: non-coding transcript variant (1), intron variant (2).
Genome position (GRCh38, 1-based): chr6:13,325,155, A>G on the plus strand (T>C on the coding strand, the complement: TBC1D7 is on the minus strand). VCF-style: chr6-13325155-A-G. GRCh37 (hg19) VCF-style: chr6-13325387-A-G.
Other names: c.132T>C, p.Thr44= (NM_001318809.2, NM_001143964.4, NM_001143965.4 and 2 more transcripts); c.112+1632T>C (NM_001143966.4, NM_001318806.2).
Identifiers: ClinVar variation 5041699 (VCV005041699.1).

ClinVar aggregate classification (germline): Likely benign (1 of 4 stars; one submission).

gnomAD v4.1: 1 of 1,613,690 alleles (0.000062%); highest among the groups gnomAD compares: Admixed American, 0.0017%; no homozygotes.

Submission:

CeGaT Center for Human Genetics Tuebingen
Classification: Likely benign. Last evaluated: 2026-09-01. Review status: criteria provided, single submitter. Criteria: CeGaT Center For Human Genetics Tuebingen Variant Classification Criteria Version 2. Collection method: clinical testing. Allele origin: germline. Affected: yes. Observed: 1 variant allele.
Comment: TBC1D7: BP4, BP7